The following is an entry in ClinVar:

ClinVar aggregate classification (germline): Uncertain significance (1 of 4 stars; one submission).

Submission:

Labcorp Genetics (formerly Invitae), Labcorp
Classification: Uncertain significance. Last evaluated: 2021-10-10. Review status: criteria provided, single submitter. Criteria: Invitae Variant Classification Sherloc (09022015). Collection method: clinical testing. Allele origin: germline.
Comment: In summary, the available evidence is currently insufficient to determine the role of this variant in disease. Therefore, it has been classified as a Variant of Uncertain Significance. Experimental studies and prediction algorithms are not available or were not evaluated, and the functional significance of this variant is currently unknown. This variant has not been reported in the literature in individuals affected with RBP3-related conditions. This variant is not present in population databases (ExAC no frequency). This variant, c.3631_3633del, results in the deletion of 1 amino acid(s) of the RBP3 protein (p.Val1211del), but otherwise preserves the integrity of the reading frame.

NM_002900.3(RBP3):c.3631_3633del (p.Val1211del)

Gene: RBP3 (retinol binding protein 3; plus strand). Cytogenetic location: 10q11.22.
Variant type: Deletion.
Coding change: c.3631_3633del on transcript NM_002900.3 (MANE Select); coding-DNA positions 3631 to 3633, 3 bases deleted (GTG; older notation c.3631_3633delGTG).
Protein change: p.Val1211del; deletes valine 1211.
Molecular consequence: inframe deletion.
Genome position (GRCh38, 1-based): chr10:47,357,344-47,357,346, GTG deleted; deleting any 3 consecutive bases within chr10:47,357,343-47,357,346 gives the same sequence; the c. name uses the placement nearest the transcript's 3' end. VCF-style (leftmost placement, unchanged base first): chr10-47357342-GGGT-G. GRCh37 (hg19) VCF-style: chr10-48382015-TCAC-T.
Other names: short protein forms V1211del.
Identifiers: ClinVar variation 1385777 (VCV001385777.6), dbSNP rs2132259273, ClinGen allele CA2573145110.
Genomic context (GRCh38, chr10:47,357,342, plus strand): 5'-TCACTATCCCCACGGCCCGTTCTGTGGGGGCCTCGGATGGCAGCTCCTGGGAAGGGGTGG[GGGT>G]GACACCCCATGTGGTTGTCCCTGCAGAAGAGGCTCTCGCCAGGGCCAAGGAGATGCTCCA-3'